The following is an entry in ClinVar:

NM_032638.5(GATA2):c.1084C>T (p.Arg362Ter)

Gene: GATA2 (GATA binding protein 2; minus strand). Cytogenetic location: 3q21.3.
Variant type: single nucleotide variant.
Coding change: c.1084C>T on transcript NM_032638.5 (MANE Select); coding-DNA position 1084, C replaced by T.
Protein change: p.Arg362Ter; replaces arginine 362 with a stop codon.
Molecular consequence: nonsense.
Genome position (GRCh38, 1-based): chr3:128,481,878, G>A on the plus strand (C>T on the coding strand, the complement: GATA2 is on the minus strand). VCF-style: chr3-128481878-G-A. GRCh37 (hg19) VCF-style: chr3-128200721-G-A.
Other names: p.Arg362*; c.1084C>T, p.Arg362Ter (NM_001145661.2); c.1042C>T, p.Arg348Ter (NM_001145662.1); short protein forms R362*, R348*.
Identifiers: ClinVar variation 435281 (VCV000435281.33), dbSNP rs1553770510, ClinGen allele CA354413573.
Genomic context (GRCh38, chr3:128,481,878, plus strand): 5'-CATTGTGCAGCTTGTAGTAGAGGCCACAGGCGTTGCAGACAGGGTCCCCGTTGGCGTTTC[G>A]GCGCCATAAGGTGGTGGTTGTCGTCTGACAATTTGCACAACAGGTGCCGGCTCTTCTGGC-3'

ClinVar aggregate classification (germline): Pathogenic/Likely pathogenic. Review status: criteria provided, multiple submitters, no conflicts (2 of 4 stars). 12 submissions from 12 submitters: Pathogenic (11); Likely pathogenic (1). Last evaluated 2025-12-08.

Conditions:
GATA2 deficiency with susceptibility to MDS/AML. Identifiers: MedGen CN300066, MONDO:0042982.
Deafness-lymphedema-leukemia syndrome. Also called: Emberger syndrome; Lymphedema, primary, with myelodysplasia. Identifiers: Orphanet 3226, MedGen C3279664, MONDO:0013540, OMIM 614038.
GATA2-related disorder. Also called: GATA2-Related Disorders; GATA2-related condition.
Monocytopenia with susceptibility to infections. Also called: IMMUNODEFICIENCY 21; GATA2 DEFICIENCY; MONOCYTOPENIA AND MYCOBACTERIAL INFECTION SYNDROME; MONOCYTOPENIA WITH SUSCEPTIBILITY TO MYCOBACTERIAL, FUNGAL, AND PAPILLOMAVIRUS INFECTIONS AND MYELODYSPLASIA; COMBINED IMMUNODEFICIENCY WITH SUSCEPTIBILITY TO MYCOBACTERIAL, VIRAL, AND FUNGAL INFECTIONS; Dendritic cell, monocyte, B lymphocyte, and natural killer lymphocyte deficiency. Identifiers: Orphanet 228423, MedGen C3280030, MONDO:0013607, OMIM 614172.
Leukemia, acute myeloid, susceptibility to. Identifiers: MedGen C3275959, MONDO:0100173.

Submissions (12):

Labcorp Genetics (formerly Invitae), Labcorp
Classification: Pathogenic for Monocytopenia with susceptibility to infections; Deafness-lymphedema-leukemia syndrome. Last evaluated: 2025-12-08. Review status: criteria provided, single submitter. Criteria: Invitae Variant Classification Sherloc (09022015). Collection method: clinical testing. Allele origin: germline.
Comment: This sequence change creates a premature translational stop signal (p.Arg362*) in the GATA2 gene. It is expected to result in an absent or disrupted protein product. Loss-of-function variants in GATA2 are known to be pathogenic (PMID: 21670465, 23223431). This variant is not present in population databases (gnomAD no frequency). This premature translational stop signal has been observed in individual(s) with clinical features of GATA2-related conditions (PMID: 27266944, 29146883, 29724903, 32098966). ClinVar contains an entry for this variant (Variation ID: 435281). For these reasons, this variant has been classified as Pathogenic.

CeGaT Center for Human Genetics Tuebingen
Classification: Pathogenic. Last evaluated: 2025-07-01. Review status: criteria provided, single submitter. Criteria: CeGaT Center For Human Genetics Tuebingen Variant Classification Criteria Version 2. Collection method: clinical testing. Allele origin: germline. Affected: yes. Observed: 1 variant allele.
Comment: GATA2: PVS1, PM2, PS4:Moderate

PreventionGenetics, part of Exact Sciences
Classification: Pathogenic for GATA2-related condition. Last evaluated: 2025-04-07. Review status: criteria provided, single submitter. Criteria: ACMG Guidelines, 2015. Collection method: clinical testing. Allele origin: germline.
Comment: The GATA2 c.1084C>T variant is predicted to result in premature protein termination (p.Arg362*). This variant has been reported in a number of patients with GATA2-related disorders (see, for example, Donadieu et al. 2018. PubMed ID: 29724903; Table S8, Bluteau et al. 2018. PubMed ID: 29146883; Rio-Machin et al. 2020. PubMed ID: 32098966). This variant is not present in a large population database, and it has been interpreted as pathogenic or likely pathogenic in the ClinVar database. Nonsense variants in GATA2 are expected to be pathogenic. This variant is interpreted as pathogenic.

St. Jude Molecular Pathology, St. Jude Children's Research Hospital
Classification: Pathogenic for GATA2 deficiency with susceptibility to MDS/AML. Last evaluated: 2024-02-24. Review status: criteria provided, single submitter. Criteria: St. Jude Assertion Criteria 2020. Collection method: clinical testing. Allele origin: germline. Affected: yes.
Comment: The GATA2 c.1084C>T (p.Arg362Ter) change is a nonsense variant that is predicted to cause premature protein truncation and loss of normal protein function. Loss-of-function variants in GATA2 are known to be pathogenic (PMID: 21670465, 23223431). This variant has been identified in multiple individuals with GATA2 deficiency (PMID: 25239263, 26702063, 26748574, 28440875, 29724903, 30894283, 32098966, 33363905, 34529785, 35273927, internal data). The variant was found to segregate with disease in multiple affected individuals in at least one family (PMID: 26748574, internal data). This variant is also absent in gnomAD v2.1.1. In summary, this variant meets criteria to be classified as pathogenic.

Institute of Human Genetics, Clinical Exome/Genome Diagnostics Group, University Hospital Bonn
Classification: Pathogenic for Deafness-lymphedema-leukemia syndrome. Last evaluated: 2024-02-02. Review status: criteria provided, single submitter. Criteria: ACMG Guidelines, 2015. Collection method: clinical testing. Allele origin: germline. Affected: yes.

GeneDx
Classification: Pathogenic. Last evaluated: 2023-08-28. Review status: criteria provided, single submitter. Criteria: GeneDx Variant Classification Process June 2021. Collection method: clinical testing. Allele origin: germline. Affected: yes.
Comment: Observed in individuals with a personal or family history consistent with pathogenic variants in this gene (Zhang 2015, Lovell 2016, Bluteau 2018, Donadieu 2018, Polat 2018, McReynolds 2019); Not observed at significant frequency in large population cohorts (gnomAD); Nonsense variant predicted to result in protein truncation or nonsense mediated decay in a gene for which loss of function is a known mechanism of disease; This variant is associated with the following publications: (PMID: 27266944, 34670919, 32098966, 29146883, 25239263, 30578959, 29724903, 28440875, 30101490, 31753093, 30894283, 33363905, 28104920, 35753512, 34529785)

Mayo Clinic Laboratories, Mayo Clinic
Classification: Pathogenic. Last evaluated: 2023-01-03. Review status: criteria provided, single submitter. Criteria: ACMG Guidelines, 2015. Collection method: clinical testing. Allele origin: germline. Observed: 8 variant alleles.
Comment: PP1, PM2_supporting, PM6, PS4_moderate, PVS1

Molecular Pathology Research Laboratory, SA Pathology
Classification: Pathogenic for GATA2 deficiency with susceptibility to MDS/AML; Deafness-lymphedema-leukemia syndrome. Last evaluated: 2021-07-06. Review status: criteria provided, single submitter. Criteria: ACMG Guidelines, 2015. Collection method: curation. Allele origin: germline. Inheritance: Autosomal dominant inheritance. Affected: yes. Observed: 17 variant alleles. Clinical features observed: Myelodysplasia, Acute Myeloid Leukemia, Immunodeficiency, Lymphedema, Hematological abnormality.
Comment: PVS1, PS4, PM2

Blueprint Genetics
Classification: Pathogenic for GATA2-related disorders. Last evaluated: 2021-02-01. Review status: criteria provided, single submitter. Criteria: ACMG Guidelines, 2015. Collection method: clinical testing. Allele origin: germline. Affected: yes. Observed: 1 variant allele.

Institute of Medical Genetics and Applied Genomics, University Hospital Tübingen
Classification: Pathogenic. Last evaluated: 2020-10-23. Review status: criteria provided, single submitter. Criteria: ACMG Guidelines, 2015. Collection method: clinical testing. Allele origin: germline. Inheritance: Unknown mechanism. Affected: yes.

Mendelics
Classification: Likely pathogenic for Deafness-lymphedema-leukemia syndrome. Last evaluated: 2019-05-28. Review status: criteria provided, single submitter. Criteria: Mendelics Assertion Criteria 2017. Collection method: clinical testing. Allele origin: unknown.

Genetic Services Laboratory, University of Chicago
Classification: Pathogenic for {Leukemia, acute myeloid, susceptibility to}. Last evaluated: 2015-09-24. Review status: criteria provided, single submitter. Criteria: ACMG Guidelines, 2015. Collection method: clinical testing. Allele origin: germline. Affected: yes.

Literature cited by the submitters: PubMed 21670465 (cited by Labcorp Genetics (formerly Invitae), Labcorp); PubMed 23223431 (cited by Labcorp Genetics (formerly Invitae), Labcorp); PubMed 27266944 (cited by Labcorp Genetics (formerly Invitae), Labcorp and Mayo Clinic Laboratories, Mayo Clinic); PubMed 29146883 (cited by 3 submitters); PubMed 29724903 (cited by 3 submitters); PubMed 32098966 (cited by Labcorp Genetics (formerly Invitae), Labcorp and Mayo Clinic Laboratories, Mayo Clinic); PubMed 26748574 (cited by Mayo Clinic Laboratories, Mayo Clinic and Molecular Pathology Research Laboratory, SA Pathology); PubMed 28104920 (cited by Mayo Clinic Laboratories, Mayo Clinic and Molecular Pathology Research Laboratory, SA Pathology); PubMed 28440875 (cited by Mayo Clinic Laboratories, Mayo Clinic and Molecular Pathology Research Laboratory, SA Pathology); PubMed 30101490 (cited by Mayo Clinic Laboratories, Mayo Clinic); PubMed 30894283 (cited by Mayo Clinic Laboratories, Mayo Clinic and Molecular Pathology Research Laboratory, SA Pathology); PubMed 31753093 (cited by Mayo Clinic Laboratories, Mayo Clinic); PubMed 33363905 (cited by Mayo Clinic Laboratories, Mayo Clinic and Molecular Pathology Research Laboratory, SA Pathology); PubMed 34529785 (cited by Mayo Clinic Laboratories, Mayo Clinic); PubMed 34670919 (cited by Mayo Clinic Laboratories, Mayo Clinic); PubMed 35753512 (cited by Mayo Clinic Laboratories, Mayo Clinic); PubMed 30578959 (cited by Molecular Pathology Research Laboratory, SA Pathology); PubMed 25239263 (cited by Molecular Pathology Research Laboratory, SA Pathology); PubMed 26702063 (cited by Molecular Pathology Research Laboratory, SA Pathology).